The following is an entry in ClinVar:

ClinVar aggregate classification (germline): Pathogenic/Likely pathogenic. Review status: criteria provided, multiple submitters, no conflicts (2 of 4 stars). 4 submissions from 4 submitters: Pathogenic (1); Likely pathogenic (2). 1 of the submissions does not count toward it. Last evaluated 2024-12-19.

Conditions:
Fanconi anemia complementation group A (FANCA). Also called: FANCA-Related Fanconi Anemia; Fanconi anemia, group A. Identifiers: Orphanet 84, MedGen C3469521, MONDO:0009215, OMIM 227650.
Fanconi anemia (FA). Also called: Fanconi's anemia. Identifiers: Orphanet 84, MedGen C0015625, MeSH D005199, MONDO:0019391.

Allele frequency attached by ClinVar (database versions not stated): gnomAD exomes below 0.00001.
gnomAD v4.1: 2 of 1,613,964 alleles (0.00012%); highest among the groups gnomAD compares: East Asian, 0.0045%; no homozygotes.

Submissions (4):

Genomic Medicine Center of Excellence, King Faisal Specialist Hospital and Research Centre
Classification: Pathogenic for Fanconi anemia complementation group A. Last evaluated: 2024-12-19. Review status: criteria provided, single submitter. Criteria: ACMG Guidelines, 2015. Collection method: clinical testing. Allele origin: germline.

Labcorp Genetics (formerly Invitae), Labcorp
Classification: Likely pathogenic for Fanconi anemia. Last evaluated: 2024-08-31. Review status: criteria provided, single submitter. Criteria: Invitae Variant Classification Sherloc (09022015). Collection method: clinical testing. Allele origin: germline.
Comment: This sequence change affects a donor splice site in intron 23 of the FANCA gene. It is expected to disrupt RNA splicing. Variants that disrupt the donor or acceptor splice site typically lead to a loss of protein function (PMID: 16199547), and loss-of-function variants in FANCA are known to be pathogenic (PMID: 19367192). This variant is not present in population databases (gnomAD no frequency). This variant has not been reported in the literature in individuals affected with FANCA-related conditions. ClinVar contains an entry for this variant (Variation ID: 554711). Algorithms developed to predict the effect of sequence changes on RNA splicing suggest that this variant may disrupt the consensus splice site. In summary, the currently available evidence indicates that the variant is pathogenic, but additional data are needed to prove that conclusively. Therefore, this variant has been classified as Likely Pathogenic.

Fulgent Genetics
Classification: Likely pathogenic for Fanconi anemia complementation group A. Last evaluated: 2024-04-04. Review status: criteria provided, single submitter. Criteria: ACMG Guidelines, 2015. Collection method: clinical testing. Allele origin: germline.

Counsyl
Classification: Likely pathogenic for Fanconi anemia complementation group A. Last evaluated: 2017-11-01. Review status: no assertion criteria provided. Collection method: clinical testing. Allele origin: unknown. Not counted in ClinVar's aggregate classification.

Literature cited by the submitters: PubMed 16199547 (cited by Labcorp Genetics (formerly Invitae), Labcorp); PubMed 19367192 (cited by Labcorp Genetics (formerly Invitae), Labcorp).

NM_000135.4(FANCA):c.2151+2T>C

Gene: FANCA (FA complementation group A; minus strand). Cytogenetic location: 16q24.3.
Variant type: single nucleotide variant.
Coding change: c.2151+2T>C on transcript NM_000135.4 (MANE Select); the canonical splice donor site of the intron after coding-DNA position 2151, T replaced by C.
Molecular consequence: splice donor variant.
Genome position (GRCh38, 1-based): chr16:89,771,676, A>G on the plus strand (T>C on the coding strand, the complement: FANCA is on the minus strand). VCF-style: chr16-89771676-A-G. GRCh37 (hg19) VCF-style: chr16-89838084-A-G.
Other names: c.2151+2T>C (NM_001286167.3).
Identifiers: ClinVar variation 554711 (VCV000554711.10), dbSNP rs937874201, ClinGen allele CA286566397.
Genomic context (GRCh38, chr16:89,771,676, plus strand): 5'-ATGCCTCTGCCTAATGGAAAATGGTGAAGACCCCCTGCTTTGTTCTGAGCCCCTACACCT[A>G]CCATGTGTTCCCGTGGCTCCAGTCTCGGCGTGTTGATGCTGAGCTGAATCTTTGATATCT-3'